The following is an entry in ClinVar:

ClinVar aggregate classification (germline): Uncertain significance. Review status: criteria provided, multiple submitters, no conflicts (2 of 4 stars). 5 submissions from 5 submitters: Uncertain significance (5). Last evaluated 2025-12-23.

Conditions:
Cardiovascular phenotype. Identifiers: MedGen CN230736.
Catecholaminergic polymorphic ventricular tachycardia 1. Also called: RYR2-Related Catecholaminergic Polymorphic Ventricular Tachycardia; VENTRICULAR TACHYCARDIA, STRESS-INDUCED POLYMORPHIC 1; VENTRICULAR TACHYCARDIA, CATECHOLAMINERGIC POLYMORPHIC, 1, WITH OR WITHOUT ATRIAL DYSFUNCTION AND/OR DILATED CARDIOMYOPATHY. Identifiers: Orphanet 3286, MedGen C1631597, MONDO:0011484, OMIM 604772.
Catecholaminergic polymorphic ventricular tachycardia 2. Also called: CASQ2-Related Catecholaminergic Polymorphic Ventricular Tachycardia; VENTRICULAR TACHYCARDIA, STRESS-INDUCED POLYMORPHIC 2. Identifiers: Orphanet 3286, MedGen C2677794, MONDO:0012762, OMIM 611938.

Allele frequency attached by ClinVar (database versions not stated): ExAC 0.00001; gnomAD exomes 0.00001; gnomAD 0.00002; TOPMed 0.00002; ESP Exome Variant Server 0.00008.
gnomAD v4.1: 7 of 1,612,978 alleles (0.00043%); highest among the groups gnomAD compares: African/African-American, 0.0027%; no homozygotes.

Submissions (5):

Labcorp Genetics (formerly Invitae), Labcorp
Classification: Uncertain significance for Catecholaminergic polymorphic ventricular tachycardia 1. Last evaluated: 2025-12-23. Review status: criteria provided, single submitter. Criteria: Invitae Variant Classification Sherloc (09022015). Collection method: clinical testing. Allele origin: germline.
Comment: This sequence change replaces methionine, which is neutral and non-polar, with isoleucine, which is neutral and non-polar, at codon 211 of the CASQ2 protein (p.Met211Ile). This variant is present in population databases (rs377762175, gnomAD 0.007%). This variant has not been reported in the literature in individuals affected with CASQ2-related conditions. ClinVar contains an entry for this variant (Variation ID: 190744). Invitae Evidence Modeling of protein sequence and biophysical properties (such as structural, functional, and spatial information, amino acid conservation, physicochemical variation, residue mobility, and thermodynamic stability) has been performed for this missense variant. However, the output from this modeling did not meet the statistical confidence thresholds required to predict the impact of this variant on CASQ2 protein function. In summary, the available evidence is currently insufficient to determine the role of this variant in disease. Therefore, it has been classified as a Variant of Uncertain Significance.

Ambry Genetics
Classification: Uncertain significance for Cardiovascular phenotype. Last evaluated: 2025-03-18. Review status: criteria provided, single submitter. Criteria: Ambry Variant Classification Scheme 2023. Collection method: clinical testing. Allele origin: germline.
Comment: The p.M211I variant (also known as c.633G>T), located in coding exon 6 of the CASQ2 gene, results from a G to T substitution at nucleotide position 633. The methionine at codon 211 is replaced by isoleucine, an amino acid with highly similar properties. This amino acid position is not well conserved in available vertebrate species, and isoleucine is the reference amino acid in other vertebrate species. In addition, this alteration is predicted to be tolerated by in silico analysis. Since supporting evidence is limited at this time, the clinical significance of this alteration remains unclear.

Genome-Nilou Lab
Classification: Uncertain significance for Catecholaminergic polymorphic ventricular tachycardia 2. Last evaluated: 2023-04-11. Review status: criteria provided, single submitter. Criteria: ACMG Guidelines, 2015. Collection method: clinical testing. Allele origin: germline. Affected: no.

Fulgent Genetics
Classification: Uncertain significance for Catecholaminergic polymorphic ventricular tachycardia 1; Catecholaminergic polymorphic ventricular tachycardia 2. Last evaluated: 2021-07-23. Review status: criteria provided, single submitter. Criteria: ACMG Guidelines, 2015. Collection method: clinical testing. Allele origin: unknown.

GeneDx
Classification: Uncertain significance. Last evaluated: 2014-06-23. Review status: criteria provided, single submitter. Criteria: GeneDx Variant Classification (06012015). Collection method: clinical testing. Allele origin: germline. Affected: yes.
Comment: p.Met211Ile (ATG>ATT): c.633 G>T in exon 6 of the CASQ2 gene (NM_001232.3)A variant of unknown significance has been identified in the CASQ2 gene. The M211I variant has not been published as a mutation, nor has it been reported as a benign polymorphism to our knowledge. The M211I variant is a conservative amino acid substitution, which is not likely to impact secondary protein structure as these residues share similar properties. This substitution occurs at a position that is not conserved across species. However, the M211I variant was not observed with any significant frequency in approximately 6,500 individuals of European and African American ancestry in the NHLBI Exome Sequencing Project, indicating it is not a common benign variant in these populations. In silico analysis is inconsistent in its predictions as to whether or not the variant is damaging to the protein structure/function. Moreover, a missense mutations in nearby residue (K206N) has been reported in association with familial arrhythmia, supporting the functional importance of this region of the protein.Therefore, based on the currently available information, it is unclear whether this variant is a pathogenic mutation or a rare benign variant. The variant is found in ARRHYTHMIA panel(s).

NM_001232.4(CASQ2):c.633G>T (p.Met211Ile)

Gene: CASQ2 (calsequestrin 2; minus strand). Cytogenetic location: 1p13.1.
Variant type: single nucleotide variant.
Coding change: c.633G>T on transcript NM_001232.4 (MANE Select); coding-DNA position 633, G replaced by T.
Protein change: p.Met211Ile; replaces methionine 211 with isoleucine.
Molecular consequence: missense variant.
Genome position (GRCh38, 1-based): chr1:115,727,096, C>A on the plus strand (G>T on the coding strand, the complement: CASQ2 is on the minus strand). VCF-style: chr1-115727096-C-A. GRCh37 (hg19) VCF-style: chr1-116269717-C-A.
Other names: p.M211I:ATG>ATT; short protein forms M211I.
Identifiers: ClinVar variation 190744 (VCV000190744.8), dbSNP rs377762175, ClinGen allele CA301901.
Genomic context (GRCh38, chr1:115,727,096, plus strand): 5'-AGGTTTGTTGGGGATGGCAATGGGCTCATCCATAAATGGCTCATAGAAGTCAACCTCATT[C>A]ATCTTCAAAGATAATTTCTTTGCAACCTGTAACCATTAGAAATAAGACAAAGTTTATTTG-3'
Protein context (NP_001223.2, residues 201-221): KGVAKKLSLK[Met211Ile]NEVDFYEPFM